The following is an entry in ClinVar:

NM_001367498.1(CNTNAP5):c.3759C>G (p.Phe1253Leu)

Gene: CNTNAP5 (contactin associated protein family member 5; plus strand). Cytogenetic location: 2q14.3.
Variant type: single nucleotide variant.
Coding change: c.3759C>G on transcript NM_001367498.1 (MANE Select); coding-DNA position 3759, C replaced by G.
Protein change: p.Phe1253Leu; replaces phenylalanine 1253 with leucine.
Molecular consequence: missense variant.
Genome position (GRCh38, 1-based): chr2:124,914,123, C>G. VCF-style: chr2-124914123-C-G. GRCh37 (hg19) VCF-style: chr2-125671700-C-G.
Other names: c.3756C>G, p.Phe1252Leu (NM_130773.4); short protein forms F1252L, F1253L.
Identifiers: ClinVar variation 3349186 (VCV003349186.1).

ClinVar aggregate classification (germline): Uncertain significance (0 of 4 stars; one submission).

Conditions:
CNTNAP5-related disorder. Also called: CNTNAP5-related condition.

Submission:

PreventionGenetics, part of Exact Sciences
Classification: Uncertain significance for CNTNAP5-related condition. Last evaluated: 2024-04-12. Review status: no assertion criteria provided. Collection method: clinical testing. Allele origin: germline.
Comment: The CNTNAP5 c.3756C>G variant is predicted to result in the amino acid substitution p.Phe1252Leu. To our knowledge, this variant has not been reported in the literature or in a large population database, indicating this variant is rare. At this time, the clinical significance of this variant is uncertain due to the absence of conclusive functional and genetic evidence.